The following is an entry in ClinVar:

ClinVar aggregate classification (germline): Uncertain significance (1 of 4 stars; one submission).

Submission:

GeneDx
Classification: Uncertain significance. Last evaluated: 2018-05-15. Review status: criteria provided, single submitter. Criteria: GeneDx Variant Classification (06012015). Collection method: clinical testing. Allele origin: germline. Affected: yes.
Comment: The D117A variant has not been published as a pathogenic variant, nor has it been reported as a benign variant to our knowledge. The D117A variant is not observed in large population cohorts (Lek et al., 2016). The D117A variant is a non-conservative amino acid substitution, which is likely to impact secondary protein structure as these residues differ in polarity, charge, size and/or other properties. In-silico analyses, including protein predictors and evolutionary conservation, support a deleterious effect. Different missense variants at the same residue have been reported as de novo variants in the published literature and at GeneDx in individuals with NFIX-related disorders (Tatton-Brown et al., 2017). Based on the currently available information, it is unclear whether this variant is a pathogenic variant or a rare benign variant.

NM_001365902.3(NFIX):c.326A>C (p.Asp109Ala)

Gene: NFIX (nuclear factor I X; plus strand). Cytogenetic location: 19p13.13.
Variant type: single nucleotide variant.
Coding change: c.326A>C on transcript NM_001365902.3 (MANE Select); coding-DNA position 326, A replaced by C.
Protein change: p.Asp109Ala; replaces aspartic acid 109 with alanine.
Molecular consequence: missense variant.
Genome position (GRCh38, 1-based): chr19:13,025,319, A>C. VCF-style: chr19-13025319-A-C. GRCh37 (hg19) VCF-style: chr19-13136133-A-C.
Other names: c.350A>C, p.Asp117Ala (NM_001271043.2); c.302A>C, p.Asp101Ala (NM_001271044.3, NM_001378404.1); c.326A>C, p.Asp109Ala (NM_001365982.2, NM_002501.4); c.185A>C, p.Asp62Ala (NM_001365983.2); c.323A>C, p.Asp108Ala (NM_001365984.2, NM_001365985.2); c.374A>C, p.Asp125Ala (NM_001378405.1); short protein forms D109A, D117A, D101A, D62A, D108A, D125A.
Identifiers: ClinVar variation 546383 (VCV000546383.2), dbSNP rs1555696595, ClinGen allele CA404314300.
Genomic context (GRCh38, chr19:13,025,319, plus strand): 5'-AGGACTTCGTGCTGACCATCACGGGCAAGAAGCCCCCCTGCTGCGTGCTCTCCAACCCCG[A>C]CCAGAAGGGCAAGATCCGGCGGATTGACTGCCTGCGCCAGGCTGACAAGGTGTGGCGGCT-3'
Protein context (NP_001352831.1, residues 99-119): KPPCCVLSNP[Asp109Ala]QKGKIRRIDC